The following is an entry in ClinVar:

NM_017534.6(MYH2):c.5477G>A (p.Arg1826Gln)

Genes: MYH2 (myosin heavy chain 2; minus strand), MYHAS (myosin heavy chain gene cluster antisense RNA; plus strand). Cytogenetic location: 17p13.1.
Variant type: single nucleotide variant.
Coding change: c.5477G>A on transcript NM_017534.6 (MANE Select); coding-DNA position 5477, G replaced by A.
Protein change: p.Arg1826Gln; replaces arginine 1826 with glutamine.
Molecular consequence: missense variant.
Genome position (GRCh38, 1-based): chr17:10,523,408, C>T on the plus strand (G>A on the coding strand, the complement: MYH2 is on the minus strand). VCF-style: chr17-10523408-C-T. GRCh37 (hg19) VCF-style: chr17-10426725-C-T.
Other names: c.5477G>A, p.Arg1826Gln (NM_001100112.2); short protein forms R1826Q.
Identifiers: ClinVar variation 645859 (VCV000645859.8), dbSNP rs766875105, ClinGen allele CA8390381.

ClinVar aggregate classification (germline): Uncertain significance (1 of 4 stars; one submission).

Conditions:
Myopathy, proximal, and ophthalmoplegia (CMYO6). Also called: MYOPATHY WITH CONGENITAL JOINT CONTRACTURES, OPHTHALMOPLEGIA, AND RIMMED VACUOLES; INCLUSION BODY MYOPATHY 3, AUTOSOMAL DOMINANT; CONGENITAL MYOPATHY 6 WITH OPHTHALMOPLEGIA. Identifiers: Orphanet 363677, Orphanet 79091, MedGen C1854106, MONDO:0011577, OMIM 605637.

Allele frequency attached by ClinVar (database versions not stated): gnomAD exomes 0.00001 and 0.00002; ExAC 0.00002; TOPMed 0.00002.
gnomAD v4.1: 17 of 1,614,166 alleles (0.0011%); highest among the groups gnomAD compares: South Asian, 0.0055%; no homozygotes.

Submission:

Labcorp Genetics (formerly Invitae), Labcorp
Classification: Uncertain significance for Myopathy, proximal, and ophthalmoplegia. Last evaluated: 2022-03-19. Review status: criteria provided, single submitter. Criteria: Invitae Variant Classification Sherloc (09022015). Collection method: clinical testing. Allele origin: germline.
Comment: In summary, the available evidence is currently insufficient to determine the role of this variant in disease. Therefore, it has been classified as a Variant of Uncertain Significance. Algorithms developed to predict the effect of sequence changes on RNA splicing suggest that this variant may create or strengthen a splice site. Algorithms developed to predict the effect of missense changes on protein structure and function (SIFT, PolyPhen-2, Align-GVGD) all suggest that this variant is likely to be disruptive. ClinVar contains an entry for this variant (Variation ID: 645859). This variant has not been reported in the literature in individuals affected with MYH2-related conditions. This variant is present in population databases (rs766875105, gnomAD 0.01%). This sequence change replaces arginine, which is basic and polar, with glutamine, which is neutral and polar, at codon 1826 of the MYH2 protein (p.Arg1826Gln).